The following is an entry in ClinVar:

ClinVar aggregate classification (germline): Uncertain significance (1 of 4 stars; one submission).

Conditions:
Inborn genetic diseases. Identifiers: MedGen C0950123, MeSH D030342.

Submission:

Ambry Genetics
Classification: Uncertain significance for Inborn genetic diseases. Last evaluated: 2019-10-25. Review status: criteria provided, single submitter. Criteria: Ambry Variant Classification Scheme 2023. Collection method: clinical testing. Allele origin: germline.
Comment: The p.Y362* variant (also known as c.1086C>G), located in coding exon 8 of the SPTLC2 gene, results from a C to G substitution at nucleotide position 1086. This changes the amino acid from a tyrosine to a stop codon within coding exon 8. This alteration is expected to result in loss of function by premature protein truncation or nonsense-mediated mRNA decay. However, loss of function of SPTLC2 has not been clearly established as a mechanism of disease. Since supporting evidence is limited at this time, the clinical significance of this alteration remains unclear.

NM_004863.4(SPTLC2):c.1086C>G (p.Tyr362Ter)

Gene: SPTLC2 (serine palmitoyltransferase long chain base subunit 2; minus strand). Cytogenetic location: 14q24.3.
Variant type: single nucleotide variant.
Coding change: c.1086C>G on transcript NM_004863.4 (MANE Select); coding-DNA position 1086, C replaced by G.
Protein change: p.Tyr362Ter; replaces tyrosine 362 with a stop codon.
Molecular consequence: nonsense.
Genome position (GRCh38, 1-based): chr14:77,555,390, G>C on the plus strand (C>G on the coding strand, the complement: SPTLC2 is on the minus strand). VCF-style: chr14-77555390-G-C. GRCh37 (hg19) VCF-style: chr14-78021733-G-C.
Other names: short protein forms Y362*.
Identifiers: ClinVar variation 1787651 (VCV001787651.2), dbSNP rs2503486717, ClinGen allele CA390708662.